The following is an entry in ClinVar:

NM_003482.4(KMT2D):c.16368C>A (p.Asn5456Lys)

Gene: KMT2D (lysine methyltransferase 2D; minus strand). Cytogenetic location: 12q13.12.
Variant type: single nucleotide variant.
Coding change: c.16368C>A on transcript NM_003482.4 (MANE Select); coding-DNA position 16368, C replaced by A.
Protein change: p.Asn5456Lys; replaces asparagine 5456 with lysine.
Molecular consequence: missense variant.
Genome position (GRCh38, 1-based): chr12:49,022,324, G>T on the plus strand (C>A on the coding strand, the complement: KMT2D is on the minus strand). VCF-style: chr12-49022324-G-T. GRCh37 (hg19) VCF-style: chr12-49416107-G-T.
Other names: short protein forms N5456K.
Identifiers: ClinVar variation 2828864 (VCV002828864.3), dbSNP rs2499024512, ClinGen allele CA384676979.

ClinVar aggregate classification (germline): Uncertain significance (1 of 4 stars; one submission).

Conditions:
Kabuki syndrome. Also called: NIIKAWA-KUROKI SYNDROME; Kabuki make-up syndrome. Identifiers: Orphanet 2322, MedGen C0796004, MONDO:0016512.

Submission:

Labcorp Genetics (formerly Invitae), Labcorp
Classification: Uncertain significance for Kabuki syndrome. Last evaluated: 2023-12-02. Review status: criteria provided, single submitter. Criteria: Invitae Variant Classification Sherloc (09022015). Collection method: clinical testing. Allele origin: germline.
Comment: This sequence change replaces asparagine, which is neutral and polar, with lysine, which is basic and polar, at codon 5456 of the KMT2D protein (p.Asn5456Lys). This variant is not present in population databases (gnomAD no frequency). This variant has not been reported in the literature in individuals affected with KMT2D-related conditions. Advanced modeling of protein sequence and biophysical properties (such as structural, functional, and spatial information, amino acid conservation, physicochemical variation, residue mobility, and thermodynamic stability) performed at Invitae indicates that this missense variant is not expected to disrupt KMT2D protein function with a negative predictive value of 95%. In summary, the available evidence is currently insufficient to determine the role of this variant in disease. Therefore, it has been classified as a Variant of Uncertain Significance.